The following is an entry in ClinVar:

ClinVar aggregate classification (germline): Pathogenic. Review status: criteria provided, multiple submitters, no conflicts (2 of 4 stars). 9 submissions from 9 submitters: Pathogenic (6). 3 of the submissions do not count toward it. Last evaluated 2026-03-24.

Conditions:
Beta-thalassemia HBB/LCRB. Identifiers: MedGen CN322236, MONDO:0013517, OMIM 613985.
beta Thalassemia (BTHAL). Also called: Cooley's anemia; Erythroblastic anemia; Mediterranean anemia. Identifiers: Orphanet 848, MedGen C0005283, MONDO:0019402. Disease mechanism: loss of function.
Beta zero thalassemia. Identifiers: MedGen C0271980.

Submissions (9):

GeneDx
Classification: Pathogenic. Last evaluated: 2026-03-24. Review status: criteria provided, single submitter. Criteria: GeneDx Variant Classification Process June 2021. Collection method: clinical testing. Allele origin: germline.
Comment: Also known as IVS-I-nt2 (T-A) or IVS-I-2 T>A (PMID: 9163586, 23590658, 2001456, HbVar ID: 819); Canonical splice site variant predicted to result in a null allele in a gene for which loss of function is a known mechanism of disease; Not observed at significant frequency in large population cohorts (gnomAD); This variant is associated with the following publications: (PMID: 25525159, 9163586, 23590658, 2001456, 21333566, 2393712)

Natera, Inc.
Classification: Pathogenic for Beta thalassemia. Last evaluated: 2025-04-25. Review status: criteria provided, single submitter. Criteria: Natera Variant Classification Schema (03/2026). Collection method: clinical testing. Allele origin: germline.
Comment: The c.92+2T>A variant in HBB is a canonical splice donor site variant predicted to affect pre-mRNA splicing, which may result in an abnormal transcript and altered protein product. This variant is expected to result in nonsense mediated decay, truncation, or a dysfunctional protein product. This variant is rare in the general population with a frequency below the threshold expected for the associated phenotype(s). This variant has been observed in one or more individuals affected with the associated recessive disease, as either homozygous or compound heterozygous with a second variant (PMID: 2393712). Given the available evidence, this variant is classified as Pathogenic.

Labcorp Genetics (formerly Invitae), Labcorp
Classification: Pathogenic. Last evaluated: 2023-04-16. Review status: criteria provided, single submitter. Criteria: Invitae Variant Classification Sherloc (09022015). Collection method: clinical testing. Allele origin: germline.
Comment: This sequence change affects a donor splice site in intron 1 of the HBB gene. It is expected to disrupt RNA splicing. Variants that disrupt the donor or acceptor splice site typically lead to a loss of protein function (PMID: 16199547), and loss-of-function variants in HBB are known to be pathogenic (PMID: 23637309). This variant is not present in population databases (gnomAD no frequency). Disruption of this splice site has been observed in individuals with beta thalassemia (PMID: 2001456, 2393712, 24986053, 28366028). This variant is also known as IVS nt 2(T>A) or IVS-I-nt2 (T-A). ClinVar contains an entry for this variant (Variation ID: 38667). Algorithms developed to predict the effect of sequence changes on RNA splicing suggest that this variant may disrupt the consensus splice site. For these reasons, this variant has been classified as Pathogenic.

Quest Diagnostics Nichols Institute San Juan Capistrano
Classification: Pathogenic. Last evaluated: 2021-11-24. Review status: criteria provided, single submitter. Criteria: Quest Diagnostics criteria. Collection method: clinical testing. Allele origin: unknown.
Comment: This variant disrupts a canonical splice-donor site and interferes with normal HBB mRNA splicing. This variant has not been reported in large, multi-ethnic general populations. It is reported to be associated with beta(0) thalassemia in the published literature (PMID: 9163586 (1997), 2001456 (1991), 2393712 (1990)). Based on the available information, this variant is classified as pathogenic. Previous names for this pathogenic variant include IVS-I-2 (T>A).

ARUP Laboratories, Molecular Genetics and Genomics, ARUP Laboratories
Classification: Pathogenic. Last evaluated: 2020-12-01. Review status: criteria provided, single submitter. Criteria: ARUP Molecular Germline Variant Investigation Process 2021. Collection method: clinical testing. Allele origin: germline.
Comment: The HBB c.92+2T>A variant (rs33956879), also known as IVS-I-2 T>A, is reported in the literature in multiple individuals affected with beta-thalassemia who carried a second pathogenic HBB variant (Bouhass 1990, Murru 1991, HbVar database). This variant is absent from general population databases (Exome Variant Server, Genome Aggregation Database), indicating it is not a common polymorphism. This variant abolishes the canonical splice donor site of intron 1, which is likely to disrupt gene function. Based on available information, this variant is considered to be pathogenic. References: Link to HbVar database for c.92+2T>A: Bouhass R et al. A new mutation at IVS1 nt 2(T----A), in beta-thalassemia from Algeria. Blood. 1990 Sep 1;76(5):1054-5. Murru S et al. Molecular characterization of beta-thalassemia intermedia in patients of Italian descent and identification of three novel beta-thalassemia mutations. Blood. 1991 Mar 15;77(6):1342-7.

Women's Health and Genetics/Laboratory Corporation of America, LabCorp
Classification: Pathogenic for beta Thalassemia. Last evaluated: 2019-05-06. Review status: criteria provided, single submitter. Criteria: LabCorp Variant Classification Summary - May 2015. Collection method: clinical testing. Allele origin: germline.
Comment: Variant summary: HBB c.92+2T>A is located in a canonical splice-site and is predicted to affect mRNA splicing resulting in a significantly altered protein due to either exon skipping, shortening, or inclusion of intronic material. Several computational tools predict a significant impact on normal splicing: Four predict the variant abolishes a 5' splicing donor site. However, these predictions have yet to be confirmed by functional studies. The variant was absent in 251218 control chromosomes. c.92+2T>A has been reported in the literature in multiple individuals affected with hemoglobin disorders (Bilgen_2011, Hoppe_2013). These data indicate that the variant is very likely to be associated with disease. To our knowledge, no experimental evidence demonstrating an impact on protein function has been reported. Two clinical diagnostic laboratories have submitted clinical-significance assessments for this variant to ClinVar after 2014 without evidence for independent evaluation. All laboratories classified the variant as pathogenic. Based on the evidence outlined above, the variant was classified as pathogenic.

The ITHANET community portal, The Cyprus Institute of Neurology and Genetics
Classification: Pathogenic for beta Thalassemia. Last evaluated: 2019-11-25. Review status: no assertion criteria provided. Collection method: curation. Allele origin: germline. Not counted in ClinVar's aggregate classification.

Counsyl
Classification: Pathogenic for Beta-thalassemia HBB/LCRB. Last evaluated: 2017-01-25. Review status: no assertion criteria provided. Collection method: clinical testing. Allele origin: unknown. Not counted in ClinVar's aggregate classification.

OMIM
Classification: Pathogenic for BETA-ZERO-THALASSEMIA. Last evaluated: 1990-09-01. Review status: no assertion criteria provided. Collection method: literature only. Allele origin: germline. Not counted in ClinVar's aggregate classification.

Literature cited by the submitters: PubMed 2393712 (cited by 6 submitters); PubMed 16199547 (cited by Labcorp Genetics (formerly Invitae), Labcorp); PubMed 23637309 (cited by Labcorp Genetics (formerly Invitae), Labcorp); PubMed 2001456 (cited by 4 submitters); PubMed 24986053 (cited by Labcorp Genetics (formerly Invitae), Labcorp); PubMed 28366028 (cited by Labcorp Genetics (formerly Invitae), Labcorp); PubMed 21333566 (cited by Quest Diagnostics Nichols Institute San Juan Capistrano and Women's Health and Genetics/Laboratory Corporation of America, LabCorp); PubMed 9163586 (cited by Quest Diagnostics Nichols Institute San Juan Capistrano); PubMed 23590658 (cited by Women's Health and Genetics/Laboratory Corporation of America, LabCorp).

NM_000518.5(HBB):c.92+2T>A

Genes: HBB (hemoglobin subunit beta; minus strand), LOC106099062 (HBB recombination region; plus strand), LOC107133510 (origin of replication at HBB; plus strand). Cytogenetic location: 11p15.4.
Variant type: single nucleotide variant.
Coding change: c.92+2T>A on transcript NM_000518.5 (MANE Select); the canonical splice donor site of the intron after coding-DNA position 92, T replaced by A.
Molecular consequence: splice donor variant.
Genome position (GRCh38, 1-based): chr11:5,226,928, A>T on the plus strand (T>A on the coding strand, the complement: HBB is on the minus strand). VCF-style: chr11-5226928-A-T. GRCh37 (hg19) VCF-style: chr11-5248158-A-T.
Other names: IVS I-2 (T>A); IVS1, T-A, +2.
Identifiers: ClinVar variation 38667 (VCV000038667.108), dbSNP rs33956879, ClinGen allele CA217115033.